The following is an entry in ClinVar:

ClinVar aggregate classification (germline): Uncertain significance. Review status: criteria provided, multiple submitters, no conflicts (2 of 4 stars). 2 submissions from 2 submitters: Uncertain significance (2). Last evaluated 2024-02-23.

Conditions:
Bloom syndrome (BLM). Also called: Bloom-Torre-Machacek syndrome. Identifiers: Orphanet 125, MedGen C0005859, MONDO:0008876, OMIM 210900.
Hereditary cancer-predisposing syndrome. Also called: Tumor predisposition; Hereditary neoplastic syndrome; Neoplastic Syndromes, Hereditary; Hereditary Cancer Syndrome. Identifiers: Orphanet 140162, MedGen C0027672, MeSH D009386, MONDO:0015356.

Submissions (2):

Ambry Genetics
Classification: Uncertain significance for Hereditary cancer-predisposing syndrome. Last evaluated: 2024-02-23. Review status: criteria provided, single submitter. Criteria: Ambry Variant Classification Scheme 2023. Collection method: clinical testing. Allele origin: germline.
Comment: The p.D1158H variant (also known as c.3472G>C), located in coding exon 17 of the BLM gene, results from a G to C substitution at nucleotide position 3472. The aspartic acid at codon 1158 is replaced by histidine, an amino acid with similar properties. This amino acid position is conserved. In addition, the in silico prediction for this alteration is inconclusive. Based on the available evidence, the clinical significance of this alteration remains unclear.

Labcorp Genetics (formerly Invitae), Labcorp
Classification: Uncertain significance for Bloom syndrome. Last evaluated: 2023-07-28. Review status: criteria provided, single submitter. Criteria: Invitae Variant Classification Sherloc (09022015). Collection method: clinical testing. Allele origin: germline.
Comment: ClinVar contains an entry for this variant (Variation ID: 856807). In summary, the available evidence is currently insufficient to determine the role of this variant in disease. Therefore, it has been classified as a Variant of Uncertain Significance. Advanced modeling of protein sequence and biophysical properties (such as structural, functional, and spatial information, amino acid conservation, physicochemical variation, residue mobility, and thermodynamic stability) performed at Invitae indicates that this missense variant is not expected to disrupt BLM protein function. This variant has not been reported in the literature in individuals affected with BLM-related conditions. This variant is not present in population databases (gnomAD no frequency). This sequence change replaces aspartic acid, which is acidic and polar, with histidine, which is basic and polar, at codon 1158 of the BLM protein (p.Asp1158His).

NM_000057.4(BLM):c.3472G>C (p.Asp1158His)

Gene: BLM (BLM RecQ like helicase; plus strand). Cytogenetic location: 15q26.1.
Variant type: single nucleotide variant.
Coding change: c.3472G>C on transcript NM_000057.4 (MANE Select); coding-DNA position 3472, G replaced by C.
Protein change: p.Asp1158His; replaces aspartic acid 1158 with histidine.
Molecular consequence: missense variant. On other transcripts: intron variant (1).
Genome position (GRCh38, 1-based): chr15:90,803,634, G>C. VCF-style: chr15-90803634-G-C. GRCh37 (hg19) VCF-style: chr15-91346864-G-C.
Other names: c.3472G>C (NM_000057.2); c.3472G>C, p.Asp1158His (NM_001287246.2); c.2347G>C, p.Asp783His (NM_001287248.2); c.3358+5297G>C (NM_001287247.2); short protein forms D1158H, D783H.
Identifiers: ClinVar variation 856807 (VCV000856807.9), dbSNP rs1567062737, ClinGen allele CA393847673.
Genomic context (GRCh38, chr15:90,803,634, plus strand): 5'-TCACGACACAATGCCGAAAGACTTTTTAAAAAGCTGATACTTGACAAGATTTTGGATGAA[G>C]ACTTATATATCAATGCCAATGACCAGGCGATCGCTTATGTGATGCTCGGAAATAAAGCCC-3'
Protein context (NP_000048.1, residues 1148-1168): KLILDKILDE[Asp1158His]LYINANDQAI